The following is an entry in ClinVar:

NM_033305.3(VPS13A):c.2170+1G>A

Gene: VPS13A (vacuolar protein sorting 13 homolog A; plus strand). Cytogenetic location: 9q21.2.
Variant type: single nucleotide variant.
Coding change: c.2170+1G>A on transcript NM_033305.3 (MANE Select); the canonical splice donor site of the intron after coding-DNA position 2170, G replaced by A.
Molecular consequence: splice donor variant.
Genome position (GRCh38, 1-based): chr9:77,250,230, G>A. VCF-style: chr9-77250230-G-A. GRCh37 (hg19) VCF-style: chr9-79865146-G-A.
Other names: c.2170+1G>A (NM_001018037.2, NM_015186.4, NM_001018038.3).
Identifiers: ClinVar variation 4816384 (VCV004816384.1).
Genomic context (GRCh38, chr9:77,250,230, plus strand): 5'-GAGCTTATGATTCATTTGATATTCAACTTACAAGTGTACAGCTGCTTTACAGTAGAGTTG[G>A]TGAGTATAAAATGCATTATTTGTTGATTGATTTTGTTGAAGTGATTAATTAGGTTTTTAG-3'

ClinVar aggregate classification (germline): Likely pathogenic (1 of 4 stars; one submission).

Conditions:
VPS13A-related neurodegenerative disease. Also called: LEVINE-CRITCHLEY SYNDROME; Choreoacanthocytosis; Chorea-acanthocytosis; ACANTHOCYTOSIS WITH NEUROLOGIC DISORDER; VPS13A Disease; Choreaacanthocytosis. Identifiers: Orphanet 2388, MedGen C0393576, MONDO:0008695, OMIM 200150.

Submission:

Natera, Inc.
Classification: Likely pathogenic for Choreaacanthocytosis. Last evaluated: 2026-01-07. Review status: criteria provided, single submitter. Criteria: Natera Variant Classification Schema (03/2026). Collection method: clinical testing. Allele origin: germline.
Comment: The c.2170+1G>A variant in VPS13A is a canonical splice donor site variant predicted to affect pre-mRNA splicing, which may result in an abnormal transcript and altered protein product. This variant is expected to result in nonsense mediated decay, truncation, or a dysfunctional protein product. This variant is rare in the general population with a frequency below the threshold expected for the associated phenotype(s). Given the available evidence, this variant is classified as Likely Pathogenic.